The following is an entry in ClinVar:

NM_005529.7(HSPG2):c.4096C>T (p.Arg1366Cys)

Gene: HSPG2 (heparan sulfate proteoglycan 2; minus strand). Cytogenetic location: 1p36.12.
Variant type: single nucleotide variant.
Coding change: c.4096C>T on transcript NM_005529.7 (MANE Select); coding-DNA position 4096, C replaced by T.
Protein change: p.Arg1366Cys; replaces arginine 1366 with cysteine.
Molecular consequence: missense variant.
Genome position (GRCh38, 1-based): chr1:21,872,311, G>A on the plus strand (C>T on the coding strand, the complement: HSPG2 is on the minus strand). VCF-style: chr1-21872311-G-A. GRCh37 (hg19) VCF-style: chr1-22198804-G-A.
Other names: c.4099C>T, p.Arg1367Cys (NM_001291860.2); c.4096C>T (NM_005529.5); short protein forms R1367C, R1366C.
Identifiers: ClinVar variation 1495587 (VCV001495587.9), dbSNP rs764392896, ClinGen allele CA672370.

ClinVar aggregate classification (germline): Uncertain significance. Review status: criteria provided, multiple submitters, no conflicts (2 of 4 stars). 2 submissions from 2 submitters: Uncertain significance (2). Last evaluated 2024-02-14.

Conditions:
Inborn genetic diseases. Identifiers: MedGen C0950123, MeSH D030342.

Allele frequency attached by ClinVar (database versions not stated): gnomAD exomes 0.00002; gnomAD 0.00003; TOPMed 0.00003; ExAC 0.00004.
gnomAD v4.1: 25 of 1,574,944 alleles (0.0016%); highest among the groups gnomAD compares: East Asian, 0.0094%; no homozygotes.

Submissions (2):

Labcorp Genetics (formerly Invitae), Labcorp
Classification: Uncertain significance. Last evaluated: 2024-02-14. Review status: criteria provided, single submitter. Criteria: Invitae Variant Classification Sherloc (09022015). Collection method: clinical testing. Allele origin: germline.
Comment: This sequence change replaces arginine, which is basic and polar, with cysteine, which is neutral and slightly polar, at codon 1366 of the HSPG2 protein (p.Arg1366Cys). The frequency data for this variant in the population databases is considered unreliable, as metrics indicate poor data quality at this position in the gnomAD database. This variant has not been reported in the literature in individuals affected with HSPG2-related conditions. ClinVar contains an entry for this variant (Variation ID: 1495587). An algorithm developed to predict the effect of missense changes on protein structure and function (PolyPhen-2) suggests that this variant is likely to be disruptive. In summary, the available evidence is currently insufficient to determine the role of this variant in disease. Therefore, it has been classified as a Variant of Uncertain Significance.

Ambry Genetics
Classification: Uncertain significance for Inborn genetic diseases. Last evaluated: 2023-04-12. Review status: criteria provided, single submitter. Criteria: Ambry Variant Classification Scheme 2023. Collection method: clinical testing. Allele origin: germline.